The following is an entry in ClinVar:

ClinVar aggregate classification (germline): Pathogenic (1 of 4 stars; one submission).

Conditions:
2-aminoadipic 2-oxoadipic aciduria (AAKAD). Also called: ALPHA-AMINOADIPIC AND ALPHA-KETOADIPIC ACIDURIA; Aminoadipic aciduria. Identifiers: Orphanet 79154, MedGen C1859817, MONDO:0008774, OMIM 204750.

Submission:

Labcorp Genetics (formerly Invitae), Labcorp
Classification: Pathogenic for 2-aminoadipic 2-oxoadipic aciduria. Last evaluated: 2021-12-17. Review status: criteria provided, single submitter. Criteria: Invitae Variant Classification Sherloc (09022015). Collection method: clinical testing. Allele origin: germline.
Comment: This sequence change creates a premature translational stop signal (p.Ala783Hisfs*35) in the DHTKD1 gene. It is expected to result in an absent or disrupted protein product. Loss-of-function variants in DHTKD1 are known to be pathogenic (PMID: 23141293, 25860818). This variant is not present in population databases (gnomAD no frequency). This variant has not been reported in the literature in individuals affected with DHTKD1-related conditions. For these reasons, this variant has been classified as Pathogenic.

Literature cited by the submitters: PubMed 23141293; PubMed 25860818.

NM_018706.7(DHTKD1):c.2347del (p.Ala783fs)

Gene: DHTKD1 (dehydrogenase E1 and transketolase domain containing 1; plus strand). Cytogenetic location: 10p14.
Variant type: Deletion.
Coding change: c.2347del on transcript NM_018706.7 (MANE Select); coding-DNA position 2347, one base deleted (G; older notation c.2347delG).
Protein change: p.Ala783fs; shifts the reading frame from alanine 783.
Molecular consequence: frameshift variant.
Genome position (GRCh38, 1-based): chr10:12,117,700, G deleted; the last of 2 consecutive G bases (chr10:12,117,699-12,117,700); deleting either gives the same sequence. VCF-style (leftmost placement, unchanged base first): chr10-12117698-TG-T. GRCh37 (hg19) VCF-style: chr10-12159697-TG-T.
Other names: short protein forms A783fs.
Identifiers: ClinVar variation 2044577 (VCV002044577.4), dbSNP rs778263250, ClinGen allele CA5408231.